The following is an entry in ClinVar:

ClinVar aggregate classification (germline): Benign (1 of 4 stars; one submission).

Conditions:
Exudative vitreoretinopathy 1 (EVR1). Also called: CRISWICK-SCHEPENS SYNDROME; FEVR, AUTOSOMAL DOMINANT; Familial exudative vitreoretinopathy, autosomal dominant. Identifiers: Orphanet 891, Orphanet 90050, MedGen C1851402, MONDO:0007589, OMIM 133780.

Allele frequency attached by ClinVar (database versions not stated): gnomAD 0.00001 and 0.00024; TOPMed 0.00003; 1000 Genomes Project 30x 0.00125; 1000 Genomes Project 0.00140.

Submission:

Illumina Laboratory Services, Illumina
Classification: Benign for Exudative vitreoretinopathy 1. Last evaluated: 2018-01-12. Review status: criteria provided, single submitter. Criteria: ICSL Variant Classification Criteria 13 December 2019. Collection method: clinical testing. Allele origin: germline.
Comment: This variant was observed in the ICSL laboratory as part of a predisposition screen in an ostensibly healthy population. It had not been previously curated by ICSL or reported in the Human Gene Mutation Database (HGMD: prior to June 1st, 2018), and was therefore a candidate for classification through an automated scoring system. Utilizing variant allele frequency, disease prevalence and penetrance estimates, and inheritance mode, an automated score was calculated to assess if this variant is too frequent to cause the disease. Based on the score and internal cut-off values, a variant classified as benign is not then subjected to further curation. The score for this variant resulted in a classification of benign for this disease.

NM_012193.4(FZD4):c.*2517A>G

Genes: FZD4 (frizzled class receptor 4; minus strand), PRSS23 (serine protease 23; plus strand). Cytogenetic location: 11q14.2.
Variant type: single nucleotide variant.
Coding change: c.*2517A>G on transcript NM_012193.4 (MANE Select); 2517 bases downstream of the stop codon, A replaced by G.
Molecular consequence: 3 prime UTR variant.
Genome position (GRCh38, 1-based): chr11:86,948,625, T>C on the plus strand (A>G on the coding strand, the complement: FZD4 is on the minus strand). VCF-style: chr11-86948625-T-C. GRCh37 (hg19) VCF-style: chr11-86659667-T-C.
Identifiers: ClinVar variation 306375 (VCV000306375.5), dbSNP rs556412849, ClinGen allele CA10639598.